The following is an entry in ClinVar:

NM_004629.2(FANCG):c.1285C>G (p.Pro429Ala)

Gene: FANCG (FA complementation group G; minus strand). Cytogenetic location: 9p13.3.
Variant type: single nucleotide variant.
Coding change: c.1285C>G on transcript NM_004629.2 (MANE Select); coding-DNA position 1285, C replaced by G.
Protein change: p.Pro429Ala; replaces proline 429 with alanine.
Molecular consequence: missense variant.
Genome position (GRCh38, 1-based): chr9:35,075,613, G>C on the plus strand (C>G on the coding strand, the complement: FANCG is on the minus strand). VCF-style: chr9-35075613-G-C. GRCh37 (hg19) VCF-style: chr9-35075610-G-C.
Other names: short protein forms P429A.
Identifiers: ClinVar variation 5036488 (VCV005036488.1).
Genomic context (GRCh38, chr9:35,075,613, plus strand): 5'-GGCAGTATGGCAGTTCCTTGGTTCCTTTTCTGGCATCTTCCCACAGCCGGGACATCTTGG[G>C]TAGCAGAGATGATGTGCGGCTGAGCAACTCCTCACATAGAGTCAAGGCATCTTGGGCTCT-3'
Protein context (NP_004620.1, residues 419-439): ELLSRTSSLL[Pro429Ala]KMSRLWEDAR

ClinVar aggregate classification (germline): Uncertain significance (1 of 4 stars; one submission).

Conditions:
Inborn genetic diseases. Identifiers: MedGen C0950123, MeSH D030342.

Submission:

Ambry Genetics
Classification: Uncertain significance for Inborn genetic diseases. Last evaluated: 2026-06-17. Review status: criteria provided, single submitter. Criteria: Ambry Variant Classification Scheme 2023. Collection method: clinical testing. Allele origin: germline.
Comment: The p.P429A variant (also known as c.1285C>G), located in coding exon 10 of the FANCG gene, results from a C to G substitution at nucleotide position 1285. The proline at codon 429 is replaced by alanine, an amino acid with highly similar properties. This amino acid position is conserved. In addition, this alteration is predicted to be tolerated by in silico analysis. Based on the available evidence, the clinical significance of this variant remains unclear.